The following is an entry in ClinVar:

NM_002691.4(POLD1):c.262G>T (p.Asp88Tyr)

Gene: POLD1 (DNA polymerase delta 1, catalytic subunit; plus strand). Cytogenetic location: 19q13.33.
Variant type: single nucleotide variant.
Coding change: c.262G>T on transcript NM_002691.4 (MANE Select); coding-DNA position 262, G replaced by T.
Protein change: p.Asp88Tyr; replaces aspartic acid 88 with tyrosine.
Molecular consequence: missense variant. On other transcripts: non-coding transcript variant (1).
Genome position (GRCh38, 1-based): chr19:50,399,430, G>T. VCF-style: chr19-50399430-G-T. GRCh37 (hg19) VCF-style: chr19-50902687-G-T.
Other names: c.262G>T, p.Asp88Tyr (NM_001256849.1, NM_001308632.1, NM_001438210.1 and 3 more transcripts); short protein forms D88Y.
Identifiers: ClinVar variation 4743494 (VCV004743494.1).

ClinVar aggregate classification (germline): Uncertain significance (1 of 4 stars; one submission).

Conditions:
POLD1-related polyposis and colorectal cancer syndrome (CRCS10). Also called: COLORECTAL CANCER, SUSCEPTIBILITY TO, ON CHROMOSOME 19q; Colorectal cancer 10; Colorectal cancer, susceptibility to, 10. Identifiers: Orphanet 220460, MedGen C2675481, MONDO:0012953, OMIM 612591.

Submission:

Labcorp Genetics (formerly Invitae), Labcorp
Classification: Uncertain significance for POLD1-related polyposis and colorectal cancer syndrome. Last evaluated: 2025-08-15. Review status: criteria provided, single submitter. Criteria: Invitae Variant Classification Sherloc (09022015). Collection method: clinical testing. Allele origin: germline.
Comment: This sequence change replaces aspartic acid, which is acidic and polar, with tyrosine, which is neutral and polar, at codon 88 of the POLD1 protein (p.Asp88Tyr). This variant is not present in population databases (gnomAD no frequency). This variant has not been reported in the literature in individuals affected with POLD1-related conditions. Invitae Evidence Modeling of protein sequence and biophysical properties (such as structural, functional, and spatial information, amino acid conservation, physicochemical variation, residue mobility, and thermodynamic stability) indicates that this missense variant is not expected to disrupt POLD1 protein function with a negative predictive value of 80%. In summary, the available evidence is currently insufficient to determine the role of this variant in disease. Therefore, it has been classified as a Variant of Uncertain Significance.